The following is an entry in ClinVar:

ClinVar aggregate classification (germline): Benign/Likely benign. Review status: criteria provided, multiple submitters, no conflicts (2 of 4 stars). 5 submissions from 5 submitters: Benign (1); Likely benign (3). 1 of the submissions does not count toward it. Last evaluated 2026-01-19.

Conditions:
GABRB3-related disorder. Also called: GABRB3-related condition.
Inborn genetic diseases. Identifiers: MedGen C0950123, MeSH D030342.
Epilepsy, childhood absence, susceptibility to, 1. Also called: Epilepsy, childhood absence 1. Identifiers: Orphanet 64280, MedGen C1838604, MONDO:0020759, OMIM 600131.
Epilepsy, childhood absence, susceptibility to, 5. Identifiers: Orphanet 64280, MedGen C2677087, MONDO:0012843, OMIM 612269.

Allele frequency attached by ClinVar (database versions not stated): gnomAD 0.00004 and 0.00010; gnomAD exomes 0.00011 and 0.00026; 1000 Genomes Project 30x 0.00016; 1000 Genomes Project 0.00020; TOPMed 0.00020; ExAC 0.00027.
gnomAD v4.1: 194 of 1,614,172 alleles (0.012%); highest among the groups gnomAD compares: East Asian, 0.21%; no homozygotes.

Submissions (5):

Labcorp Genetics (formerly Invitae), Labcorp
Classification: Likely benign for Epilepsy, childhood absence, susceptibility to, 5; Epilepsy, childhood absence, susceptibility to, 1. Last evaluated: 2026-01-19. Review status: criteria provided, single submitter. Criteria: Invitae Variant Classification Sherloc (09022015). Collection method: clinical testing. Allele origin: germline.

Blueprint Genetics
Classification: Likely benign. Last evaluated: 2024-03-06. Review status: criteria provided, single submitter. Criteria: ACMG Guidelines, 2015. Collection method: clinical testing. Allele origin: germline.

Ambry Genetics
Classification: Benign for Inborn genetic diseases. Last evaluated: 2019-05-03. Review status: criteria provided, single submitter. Criteria: Ambry Variant Classification Scheme 2023. Collection method: clinical testing. Allele origin: germline.

GeneDx
Classification: Likely benign. Last evaluated: 2018-07-17. Review status: criteria provided, single submitter. Criteria: GeneDx Variant Classification Process June 2021. Collection method: clinical testing. Allele origin: germline. Affected: yes.
Comment: This variant is associated with the following publications: (PMID: 24999380, 24865167)

PreventionGenetics, part of Exact Sciences
Classification: Likely benign for GABRB3-related condition. Last evaluated: 2019-06-26. Review status: no assertion criteria provided. Collection method: clinical testing. Allele origin: germline. Not counted in ClinVar's aggregate classification.
Comment: This variant is classified as likely benign based on ACMG/AMP sequence variant interpretation guidelines (Richards et al. 2015 PMID: 25741868, with internal and published modifications).

Literature cited by the submitters: PubMed 24999380 (cited by Ambry Genetics).

NM_000814.6(GABRB3):c.1204T>C (p.Tyr402His)

Gene: GABRB3 (gamma-aminobutyric acid type A receptor subunit beta3; minus strand). Cytogenetic location: 15q12.
Variant type: single nucleotide variant.
Coding change: c.1204T>C on transcript NM_000814.6 (MANE Select); coding-DNA position 1204, T replaced by C.
Protein change: p.Tyr402His; replaces tyrosine 402 with histidine.
Molecular consequence: missense variant.
Genome position (GRCh38, 1-based): chr15:26,548,011, A>G on the plus strand (T>C on the coding strand, the complement: GABRB3 is on the minus strand). VCF-style: chr15-26548011-A-G. GRCh37 (hg19) VCF-style: chr15-26793158-A-G.
Other names: c.949T>C, p.Tyr317His (NM_001191320.2, NM_001278631.2); c.991T>C, p.Tyr331His (NM_001191321.3); c.1204T>C, p.Tyr402His (NM_021912.5); short protein forms Y402H, Y331H, Y317H.
Identifiers: ClinVar variation 537297 (VCV000537297.19), dbSNP rs185383468, ClinGen allele CA7437284.